The following is an entry in ClinVar:

NM_017780.4(CHD7):c.83G>A (p.Gly28Asp)

Gene: CHD7 (chromodomain helicase DNA binding protein 7; plus strand). Cytogenetic location: 8q12.2.
Variant type: single nucleotide variant.
Coding change: c.83G>A on transcript NM_017780.4 (MANE Select); coding-DNA position 83, G replaced by A.
Protein change: p.Gly28Asp; replaces glycine 28 with aspartic acid.
Molecular consequence: missense variant.
Genome position (GRCh38, 1-based): chr8:60,741,515, G>A. VCF-style: chr8-60741515-G-A. GRCh37 (hg19) VCF-style: chr8-61654074-G-A.
Other names: c.83G>A, p.Gly28Asp (NM_001316690.1); short protein forms G28D.
Identifiers: ClinVar variation 944152 (VCV000944152.9), dbSNP rs1809007164, ClinGen allele CA371295482.

ClinVar aggregate classification (germline): Uncertain significance (1 of 4 stars; one submission).

Conditions:
CHARGE syndrome (CHARGE). Also called: Hittner Hirsch Kreh syndrome; Coloboma, heart anomaly, choanal atresia, retardation, genital and ear anomalies; CHARGE association; Hall-Hittner syndrome; CHARGE ASSOCIATION--COLOBOMA, HEART ANOMALY, CHOANAL ATRESIA, RETARDATION, GENITAL AND EAR ANOMALIES. Identifiers: Orphanet 138, MedGen C0265354, MONDO:0008965.

Submission:

Labcorp Genetics (formerly Invitae), Labcorp
Classification: Uncertain significance for CHARGE syndrome. Last evaluated: 2019-08-13. Review status: criteria provided, single submitter. Criteria: Invitae Variant Classification Sherloc (09022015). Collection method: clinical testing. Allele origin: germline.
Comment: This variant is not present in population databases (ExAC no frequency). In summary, the available evidence is currently insufficient to determine the role of this variant in disease. Therefore, it has been classified as a Variant of Uncertain Significance. Algorithms developed to predict the effect of missense changes on protein structure and function are either unavailable or do not agree on the potential impact of this missense change (SIFT: "Tolerated"; PolyPhen-2: "Probably Damaging"; Align-GVGD: "Class C0"). This variant has not been reported in the literature in individuals with CHD7-related conditions. This sequence change replaces glycine with aspartic acid at codon 28 of the CHD7 protein (p.Gly28Asp). The glycine residue is highly conserved and there is a moderate physicochemical difference between glycine and aspartic acid.